The following is an entry in ClinVar:

ClinVar aggregate classification (germline): Uncertain significance (1 of 4 stars; one submission).

Conditions:
Hereditary cancer-predisposing syndrome. Also called: Neoplastic Syndromes, Hereditary; Hereditary neoplastic syndrome; Tumor predisposition; Hereditary Cancer Syndrome. Identifiers: Orphanet 140162, MedGen C0027672, MeSH D009386, MONDO:0015356.
Cardiovascular phenotype. Identifiers: MedGen CN230736.

Allele frequency attached by ClinVar (database versions not stated): gnomAD exomes below 0.00001.
gnomAD v4.1: 1 of 1,557,872 alleles (0.000064%); highest among the groups gnomAD compares: Non-Finnish European, 0.000087%; no homozygotes.

Submission:

Ambry Genetics
Classification: Uncertain significance for Cardiovascular phenotype; Hereditary cancer-predisposing syndrome. Last evaluated: 2023-03-14. Review status: criteria provided, single submitter. Criteria: Ambry Variant Classification Scheme 2023. Collection method: clinical testing. Allele origin: germline.
Comment: The p.E310D variant (also known as c.930G>C), located in coding exon 9 of the LZTR1 gene, results from a G to C substitution at nucleotide position 930. The glutamic acid at codon 310 is replaced by aspartic acid, an amino acid with highly similar properties. This amino acid position is conserved. In addition, this alteration is predicted to be tolerated by in silico analysis. Since supporting evidence is limited at this time, the clinical significance of this alteration remains unclear.

NM_006767.4(LZTR1):c.930G>C (p.Glu310Asp)

Gene: LZTR1 (leucine zipper like post translational regulator 1; plus strand). Cytogenetic location: 22q11.21.
Variant type: single nucleotide variant.
Coding change: c.930G>C on transcript NM_006767.4 (MANE Select); coding-DNA position 930, G replaced by C.
Protein change: p.Glu310Asp; replaces glutamic acid 310 with aspartic acid.
Molecular consequence: missense variant.
Genome position (GRCh38, 1-based): chr22:20,991,766, G>C. VCF-style: chr22-20991766-G-C. GRCh37 (hg19) VCF-style: chr22-21346055-G-C.
Other names: short protein forms E310D.
Identifiers: ClinVar variation 2496800 (VCV002496800.2), dbSNP rs1924615892, ClinGen allele CA410781453.